The following is an entry in ClinVar:

ClinVar aggregate classification (germline): Benign/Likely benign. Review status: criteria provided, multiple submitters, no conflicts (2 of 4 stars). 6 submissions from 6 submitters: Benign (1); Likely benign (5). Last evaluated 2025-04-17.

Conditions:
Hereditary nonpolyposis colorectal neoplasms. Identifiers: MedGen C0009405, MeSH D003123.
Hereditary cancer-predisposing syndrome. Also called: Hereditary neoplastic syndrome; Neoplastic Syndromes, Hereditary; Tumor predisposition; Hereditary Cancer Syndrome. Identifiers: Orphanet 140162, MedGen C0027672, MeSH D009386, MONDO:0015356.
Lynch syndrome. Identifiers: Orphanet 144, MedGen C4552100, MONDO:0005835. Disease mechanism: loss of function.
Lynch syndrome 5 (LYNCH5). Also called: Hereditary non-polyposis colorectal cancer, type 5; Colorectal cancer, hereditary nonpolyposis, type 5. Identifiers: Orphanet 144, MedGen C1833477, MONDO:0013710, OMIM 614350. Disease mechanism: loss of function.

Allele frequency attached by ClinVar (database versions not stated): TOPMed 0.00001; gnomAD exomes 0.00002 and 0.00004; gnomAD 0.00005; ExAC 0.00007; 1000 Genomes Project 30x 0.00016; 1000 Genomes Project 0.00020.

Submissions (6):

Labcorp Genetics (formerly Invitae), Labcorp
Classification: Likely benign for Hereditary nonpolyposis colorectal neoplasms. Last evaluated: 2025-04-17. Review status: criteria provided, single submitter. Criteria: Invitae Variant Classification Sherloc (09022015). Collection method: clinical testing. Allele origin: germline.

Myriad Genetics, Inc.
Classification: Benign for Lynch syndrome 5. Last evaluated: 2025-01-07. Review status: criteria provided, single submitter. Criteria: Myriad Autosomal Dominant, Autosomal Recessive and X-Linked Classification Criteria (2023). Collection method: clinical testing. Allele origin: unknown.
Comment: This variant is considered benign. This variant is a silent/synonymous amino acid change and it is not expected to impact splicing.

Women's Health and Genetics/Laboratory Corporation of America, LabCorp
Classification: Likely benign. Last evaluated: 2024-12-06. Review status: criteria provided, single submitter. Criteria: LabCorp Variant Classification Summary - May 2015. Collection method: clinical testing. Allele origin: germline.

All of Us Research Program, National Institutes of Health
Classification: Likely benign for Lynch syndrome. Last evaluated: 2024-09-28. Review status: criteria provided, single submitter. Criteria: ACMG Guidelines, 2015. Collection method: clinical testing. Allele origin: germline. Inheritance: Autosomal dominant inheritance. Observed: 5 variant alleles, 5 heterozygotes.
Comment: This study involves interpretation of variants in research participants for the purpose of population health screening. Participant phenotype was not available at the time of variant classification. Additional details can be found in publication PMID: 35346344, PMCID: PMC8962531

Color Diagnostics, LLC DBA Color Health
Classification: Likely benign for Hereditary cancer-predisposing syndrome. Last evaluated: 2023-12-05. Review status: criteria provided, single submitter. Criteria: ACMG Guidelines, 2015. Collection method: clinical testing. Allele origin: germline.

Ambry Genetics
Classification: Likely benign for Hereditary cancer-predisposing syndrome. Last evaluated: 2014-08-01. Review status: criteria provided, single submitter. Criteria: Ambry Variant Classification Scheme 2023. Collection method: clinical testing. Allele origin: germline.

NM_000179.3(MSH6):c.3537C>G (p.Ala1179=)

Gene: MSH6 (mutS homolog 6; plus strand). Cytogenetic location: 2p16.3.
Variant type: single nucleotide variant.
Coding change: c.3537C>G on transcript NM_000179.3 (MANE Select); coding-DNA position 3537, C replaced by G.
Protein change: p.Ala1179=; no amino-acid change (alanine 1179 retained).
Molecular consequence: synonymous variant.
Genome position (GRCh38, 1-based): chr2:47,805,008, C>G. VCF-style: chr2-47805008-C-G. GRCh37 (hg19) VCF-style: chr2-48032147-C-G.
Other names: c.3147C>G, p.Ala1049= (NM_001281492.2); c.2631C>G, p.Ala877= (NM_001281493.2, NM_001281494.2).
Identifiers: ClinVar variation 185718 (VCV000185718.25), dbSNP rs200120044, ClinGen allele CA013308.